The following is an entry in ClinVar:

ClinVar aggregate classification (germline): Uncertain significance (1 of 4 stars; one submission).

Conditions:
Familial adenomatous polyposis 1 (FAP1). Also called: FAMILIAL ADENOMATOUS POLYPOSIS 1, ATTENUATED; POLYPOSIS, ADENOMATOUS INTESTINAL. Identifiers: MedGen C2713442, MONDO:0021056, OMIM 175100. Disease mechanism: loss of function.

Submission:

Labcorp Genetics (formerly Invitae), Labcorp
Classification: Uncertain significance for Familial adenomatous polyposis 1. Last evaluated: 2022-05-18. Review status: criteria provided, single submitter. Criteria: Invitae Variant Classification Sherloc (09022015). Collection method: clinical testing. Allele origin: germline.
Comment: This sequence change replaces alanine, which is neutral and non-polar, with valine, which is neutral and non-polar, at codon 680 of the APC protein (p.Ala680Val). This variant is not present in population databases (gnomAD no frequency). This variant has not been reported in the literature in individuals affected with APC-related conditions. Algorithms developed to predict the effect of missense changes on protein structure and function are either unavailable or do not agree on the potential impact of this missense change (SIFT: "Tolerated"; PolyPhen-2: "Probably Damaging"; Align-GVGD: "Class C0"). In summary, the available evidence is currently insufficient to determine the role of this variant in disease. Therefore, it has been classified as a Variant of Uncertain Significance.

NM_000038.6(APC):c.2039C>T (p.Ala680Val)

Gene: APC (APC regulator of Wnt signaling pathway; plus strand). Cytogenetic location: 5q22.2.
Variant type: single nucleotide variant.
Coding change: c.2039C>T on transcript NM_000038.6 (MANE Select); coding-DNA position 2039, C replaced by T.
Protein change: p.Ala680Val; replaces alanine 680 with valine.
Molecular consequence: missense variant.
Genome position (GRCh38, 1-based): chr5:112,837,633, C>T. VCF-style: chr5-112837633-C-T. GRCh37 (hg19) VCF-style: chr5-112173330-C-T.
Other names: c.2039C>T, p.Ala680Val (NM_001127510.3, NM_001354895.2, NM_001407450.1); c.1985C>T, p.Ala662Val (NM_001127511.3); c.2093C>T, p.Ala698Val (NM_001354896.2, NM_001407447.1, NM_001407448.1 and 1 more transcripts); c.2069C>T, p.Ala690Val (NM_001354897.2); c.1964C>T, p.Ala655Val (NM_001354898.2); c.1955C>T, p.Ala652Val (NM_001354899.2); c.1916C>T, p.Ala639Val (NM_001354900.2); c.1862C>T, p.Ala621Val (NM_001354901.2, NM_001407453.1); and 11 more; short protein forms A551V, A554V, A589V, A597V, A621V, A680V, A698V, A708V.
Identifiers: ClinVar variation 1996108 (VCV001996108.4), dbSNP rs2149859282, ClinGen allele CA16025781.